The following is an entry in ClinVar:

ClinVar aggregate classification (germline): Likely benign (1 of 4 stars; one submission).

Conditions:
Progressive external ophthalmoplegia with mitochondrial DNA deletions, autosomal dominant 2. Also called: PROGRESSIVE EXTERNAL OPHTHALMOPLEGIA, AUTOSOMAL DOMINANT 2. Identifiers: MedGen C1836460, MONDO:0012238, OMIM 609283.

Allele frequency attached by ClinVar (database versions not stated): gnomAD 0.00001; gnomAD exomes 0.00001; TOPMed 0.00001; ExAC 0.00002.
gnomAD v4.1: 15 of 1,614,098 alleles (0.00093%); highest among the groups gnomAD compares: Non-Finnish European, 0.0013%; no homozygotes.

Submission:

Illumina Laboratory Services, Illumina
Classification: Likely benign for Progressive external ophthalmoplegia with mitochondrial DNA deletions, autosomal dominant 2. Last evaluated: 2018-01-13. Review status: criteria provided, single submitter. Criteria: ICSL Variant Classification Criteria 13 December 2019. Collection method: clinical testing. Allele origin: germline.
Comment: This variant was observed in the ICSL laboratory as part of a predisposition screen in an ostensibly healthy population. It had not been previously curated by ICSL or reported in the Human Gene Mutation Database (HGMD: prior to June 1st, 2018), and was therefore a candidate for classification through an automated scoring system. Utilizing variant allele frequency, disease prevalence and penetrance estimates, and inheritance mode, an automated score was calculated to assess if this variant is too frequent to cause the disease. Based on the score and internal cut-off values, a variant classified as likely benign is not then subjected to further curation. The score for this variant resulted in a classification of likely benign for this disease.

NM_001151.4(SLC25A4):c.243C>T (p.Tyr81=)

Gene: SLC25A4 (solute carrier family 25 member 4; plus strand). Cytogenetic location: 4q35.1.
Variant type: single nucleotide variant.
Coding change: c.243C>T on transcript NM_001151.4 (MANE Select); coding-DNA position 243, C replaced by T.
Protein change: p.Tyr81=; no amino-acid change (tyrosine 81 retained).
Molecular consequence: synonymous variant.
Genome position (GRCh38, 1-based): chr4:185,144,895, C>T. VCF-style: chr4-185144895-C-T. GRCh37 (hg19) VCF-style: chr4-186066049-C-T.
Identifiers: ClinVar variation 348245 (VCV000348245.5), dbSNP rs779064025, ClinGen allele CA3156441.